The following is an entry in ClinVar:

ClinVar aggregate classification (germline): Conflicting classifications of pathogenicity. Review status: criteria provided, conflicting classifications (1 of 4 stars). 6 submissions from 6 submitters: Uncertain significance (5); Likely benign (1). Last evaluated 2026-07-01.

Conditions:
Inborn genetic diseases. Identifiers: MedGen C0950123, MeSH D030342.
DOCK2-related disorder. Also called: DOCK2-related condition.
DOCK2 deficiency. Also called: Immunodeficiency 40. Identifiers: Orphanet 447737, MedGen C4225328, MONDO:0014637, OMIM 616433.

Allele frequency attached by ClinVar (database versions not stated): TOPMed 0.00009; gnomAD 0.00011 and 0.00012; gnomAD exomes 0.00014 and 0.00021; ExAC 0.00021.
gnomAD v4.1: 227 of 1,614,076 alleles (0.014%); highest among the groups gnomAD compares: Middle Eastern, 0.74%; 2 homozygotes.

Submissions (6):

CeGaT Center for Human Genetics Tuebingen
Classification: Likely benign. Last evaluated: 2026-07-01. Review status: criteria provided, single submitter. Criteria: CeGaT Center For Human Genetics Tuebingen Variant Classification Criteria Version 2. Collection method: clinical testing. Allele origin: germline. Affected: yes. Observed: 1 variant allele.
Comment: DOCK2: BP4

Blueprint Genetics
Classification: Uncertain significance. Last evaluated: 2024-08-26. Review status: criteria provided, single submitter. Criteria: ACMG Guidelines, 2015. Collection method: clinical testing. Allele origin: germline.

Ambry Genetics
Classification: Uncertain significance for Inborn genetic diseases. Last evaluated: 2023-12-16. Review status: criteria provided, single submitter. Criteria: Ambry Variant Classification Scheme 2023. Collection method: clinical testing. Allele origin: germline.

PreventionGenetics, part of Exact Sciences
Classification: Uncertain significance for DOCK2-related condition. Last evaluated: 2022-11-02. Review status: criteria provided, single submitter. Criteria: ACMG Guidelines, 2015. Collection method: clinical testing. Allele origin: germline.
Comment: The DOCK2 c.2858C>T variant is predicted to result in the amino acid substitution p.Ser953Phe. To our knowledge, this variant has not been reported in the literature. This variant is reported in 0.091% of alleles in individuals of South Asian descent in gnomAD. Although we suspect that this variant may be benign, at this time, the clinical significance of this variant is uncertain due to the absence of conclusive functional and genetic evidence.

Labcorp Genetics (formerly Invitae), Labcorp
Classification: Uncertain significance for DOCK2 deficiency. Last evaluated: 2022-09-07. Review status: criteria provided, single submitter. Criteria: Invitae Variant Classification Sherloc (09022015). Collection method: clinical testing. Allele origin: germline.
Comment: This sequence change replaces serine, which is neutral and polar, with phenylalanine, which is neutral and non-polar, at codon 953 of the DOCK2 protein (p.Ser953Phe). This variant is present in population databases (rs35395501, gnomAD 0.09%). This variant has not been reported in the literature in individuals affected with DOCK2-related conditions. ClinVar contains an entry for this variant (Variation ID: 542611). Algorithms developed to predict the effect of missense changes on protein structure and function (SIFT, PolyPhen-2, Align-GVGD) all suggest that this variant is likely to be tolerated. In summary, the available evidence is currently insufficient to determine the role of this variant in disease. Therefore, it has been classified as a Variant of Uncertain Significance.

Breakthrough Genomics
Classification: Uncertain significance. Review status: criteria provided, single submitter. Criteria: ACMG Guidelines, 2015. Collection method: not provided. Allele origin: germline. Inheritance: Autosomal recessive inheritance. Affected: yes.

NM_004946.3(DOCK2):c.2858C>T (p.Ser953Phe)

Gene: DOCK2 (dedicator of cytokinesis 2; plus strand). Cytogenetic location: 5q35.1.
Variant type: single nucleotide variant.
Coding change: c.2858C>T on transcript NM_004946.3 (MANE Select); coding-DNA position 2858, C replaced by T.
Protein change: p.Ser953Phe; replaces serine 953 with phenylalanine.
Molecular consequence: missense variant. On other transcripts: non-coding transcript variant (1).
Genome position (GRCh38, 1-based): chr5:169,983,126, C>T. VCF-style: chr5-169983126-C-T. GRCh37 (hg19) VCF-style: chr5-169410130-C-T.
Other names: c.2858C>T, p.Ser953Phe (LRG_1227t1); short protein forms S953F.
Identifiers: ClinVar variation 542611 (VCV000542611.11), dbSNP rs35395501, ClinGen allele CA3554011.